The following is an entry in ClinVar:

NM_022552.5(DNMT3A):c.1935_1936del (p.Gly646fs)

Gene: DNMT3A (DNA methyltransferase 3 alpha; minus strand). Cytogenetic location: 2p23.3.
Variant type: Deletion.
Coding change: c.1935_1936del on transcript NM_022552.5 (MANE Select); coding-DNA positions 1935 to 1936, 2 bases deleted (AG; older notation c.1935_1936delAG).
Protein change: p.Gly646fs; shifts the reading frame from glycine 646.
Molecular consequence: frameshift variant. On other transcripts: non-coding transcript variant (1).
Genome position (GRCh38, 1-based): chr2:25,243,898-25,243,899, CT deleted on the plus strand (AG on the coding strand, the reverse complement: DNMT3A is on the minus strand). VCF-style (leftmost placement, unchanged base first): chr2-25243897-CCT-C. GRCh37 (hg19) VCF-style: chr2-25466766-CCT-C.
Other names: c.1479_1480del, p.Gly494fs (NM_001320893.1); c.1266_1267del, p.Gly423fs (NM_001375819.1); c.1368_1369del, p.Gly457fs (NM_153759.3); c.1935_1936del, p.Gly646fs (NM_175629.2); short protein forms G423fs, G457fs, G494fs, G646fs.
Identifiers: ClinVar variation 3382613 (VCV003382613.2).

ClinVar aggregate classification (germline): Pathogenic (1 of 4 stars; one submission).

Conditions:
Acute myeloid leukemia (AML). Also called: Acute myeloid leukemia, adult; AML adult; Acute non-lymphocytic leukemia; Acute granulocytic leukemia; Leukemia, acute myeloid, somatic; Leukemia, acute myelogenous, somatic. Identifiers: Orphanet 519, MedGen C0023467, MeSH D015470, MONDO:0018874, OMIM 601626, HP:0004808. Disease mechanism: Constitutively activated FLT3.
Tatton-Brown-Rahman overgrowth syndrome. Also called: Tall stature-intellectual disability-facial dysmorphism syndrome; Tatton-Brown-Rahman syndrome. Identifiers: Orphanet 404443, MedGen C4014545, MONDO:0014382, OMIM 615879.
Heyn-Sproul-Jackson syndrome. Also called: MICROCEPHALY, SHORT STATURE, AND IMPAIRED INTELLECTUAL DEVELOPMENT. Identifiers: Orphanet 658595, MedGen C5231475, MONDO:0032882, OMIM 618724.

Submission:

Juno Genomics, Hangzhou Juno Genomics, Inc
Classification: Pathogenic for Acute myeloid leukemia; Heyn-Sproul-Jackson syndrome; Tatton-Brown-Rahman overgrowth syndrome. Review status: criteria provided, single submitter. Criteria: ACMG Guidelines, 2015. Collection method: clinical testing. Allele origin: germline. Affected: yes.
Comment: Null variant in a gene where loss of function (LOF) is a known mechanism of disease.;Absent from controls (or at extremely low frequency if recessive) in Genome Aggregation Database, Exome Sequencing Project, 1000 Genomes Project, or Exome Aggregation Consortium.;De novo (both maternity and paternity confirmed) in a patient with the disease and no family history.;Patient's phenotype or family history is highly specific for a disease with a single genetic etiology.